The following is an entry in ClinVar:

ClinVar aggregate classification (germline): Uncertain significance. Review status: criteria provided, multiple submitters, no conflicts (2 of 4 stars). 2 submissions from 2 submitters: Uncertain significance (2). Last evaluated 2025-01-18.

Conditions:
Primary ciliary dyskinesia. Also called: Ciliary dyskinesia. Identifiers: Orphanet 244, MedGen C0008780, MONDO:0016575, HP:0012265.

Allele frequency attached by ClinVar (database versions not stated): ExAC 0.00002; TOPMed 0.00002; gnomAD 0.00003.
gnomAD v4.1: 22 of 1,613,266 alleles (0.0014%); highest among the groups gnomAD compares: African/African-American, 0.004%; no homozygotes.

Submissions (2):

Ambry Genetics
Classification: Uncertain significance for Primary ciliary dyskinesia. Last evaluated: 2025-01-18. Review status: criteria provided, single submitter. Criteria: Ambry Variant Classification Scheme 2023. Collection method: clinical testing. Allele origin: germline.

Labcorp Genetics (formerly Invitae), Labcorp
Classification: Uncertain significance for Primary ciliary dyskinesia. Last evaluated: 2023-05-08. Review status: criteria provided, single submitter. Criteria: Invitae Variant Classification Sherloc (09022015). Collection method: clinical testing. Allele origin: germline.
Comment: In summary, the available evidence is currently insufficient to determine the role of this variant in disease. Therefore, it has been classified as a Variant of Uncertain Significance. Algorithms developed to predict the effect of missense changes on protein structure and function output the following: SIFT: "Not Available"; PolyPhen-2: "Benign"; Align-GVGD: "Not Available". The lysine amino acid residue is found in multiple mammalian species, which suggests that this missense change does not adversely affect protein function. ClinVar contains an entry for this variant (Variation ID: 1450474). This variant has not been reported in the literature in individuals affected with CCDC40-related conditions. This variant is present in population databases (rs774630271, gnomAD 0.002%). This sequence change replaces glutamic acid, which is acidic and polar, with lysine, which is basic and polar, at codon 1137 of the CCDC40 protein (p.Glu1137Lys).

NM_017950.4(CCDC40):c.3409G>A (p.Glu1137Lys)

Gene: CCDC40 (coiled-coil domain 40 molecular ruler complex subunit; plus strand). Cytogenetic location: 17q25.3.
Variant type: single nucleotide variant.
Coding change: c.3409G>A on transcript NM_017950.4 (MANE Select); coding-DNA position 3409, G replaced by A.
Protein change: p.Glu1137Lys; replaces glutamic acid 1137 with lysine.
Molecular consequence: missense variant.
Genome position (GRCh38, 1-based): chr17:80,099,755, G>A. VCF-style: chr17-80099755-G-A. GRCh37 (hg19) VCF-style: chr17-78073554-G-A.
Other names: c.3409G>A (NM_017950.3); short protein forms E1137K.
Identifiers: ClinVar variation 1450474 (VCV001450474.16), dbSNP rs774630271, ClinGen allele CA8814725.
Genomic context (GRCh38, chr17:80,099,755, plus strand): 5'-GAGTACCCCCAGTTCCAGGAGGCCCTGCACAAGGTCAGCCAGATGATCGCCAACAAGCTC[G>A]AGTCACCAGGGCCCTCCTAGGGAGCAGCCTGGACTCCGCCTTGCAAGGCCTCCAGGAAGA-3'
Protein context (NP_060420.2, residues 1127-1142): KVSQMIANKL[Glu1137Lys]SPGPS